The following is an entry in ClinVar:

NM_001378609.3(OTOGL):c.515G>T (p.Gly172Val)

Gene: OTOGL (otogelin like; plus strand). Cytogenetic location: 12q21.31.
Variant type: single nucleotide variant.
Coding change: c.515G>T on transcript NM_001378609.3 (MANE Select); coding-DNA position 515, G replaced by T.
Protein change: p.Gly172Val; replaces glycine 172 with valine.
Molecular consequence: missense variant.
Genome position (GRCh38, 1-based): chr12:80,229,282, G>T. VCF-style: chr12-80229282-G-T. GRCh37 (hg19) VCF-style: chr12-80623062-G-T.
Other names: c.515G>T, p.Gly172Val (NM_001368062.3, NM_001378610.3, NM_173591.7); short protein forms G172V.
Identifiers: ClinVar variation 3375571 (VCV003375571.1).

ClinVar aggregate classification (germline): Uncertain significance (1 of 4 stars; one submission).

Submission:

GeneDx
Classification: Uncertain significance. Last evaluated: 2024-05-09. Review status: criteria provided, single submitter. Criteria: GeneDx Variant Classification Process June 2021. Collection method: clinical testing. Allele origin: germline. Affected: yes.
Comment: Not observed at significant frequency in large population cohorts (gnomAD); In silico analysis supports that this missense variant has a deleterious effect on protein structure/function; Has not been previously published as pathogenic or benign to our knowledge